The following is an entry in ClinVar:

ClinVar aggregate classification (germline): Uncertain significance (1 of 4 stars; one submission).

Submission:

Labcorp Genetics (formerly Invitae), Labcorp
Classification: Uncertain significance. Last evaluated: 2022-05-30. Review status: criteria provided, single submitter. Criteria: Invitae Variant Classification Sherloc (09022015). Collection method: clinical testing. Allele origin: germline.
Comment: This variant is not present in population databases (gnomAD no frequency). This variant has not been reported in the literature in individuals affected with LTBP2-related conditions. This sequence change replaces glycine, which is neutral and non-polar, with valine, which is neutral and non-polar, at codon 171 of the LTBP2 protein (p.Gly171Val). Algorithms developed to predict the effect of missense changes on protein structure and function (SIFT, PolyPhen-2, Align-GVGD) all suggest that this variant is likely to be disruptive. In summary, the available evidence is currently insufficient to determine the role of this variant in disease. Therefore, it has been classified as a Variant of Uncertain Significance.

NM_000428.3(LTBP2):c.512G>T (p.Gly171Val)

Gene: LTBP2 (latent transforming growth factor beta binding protein 2; minus strand). Cytogenetic location: 14q24.3.
Variant type: single nucleotide variant.
Coding change: c.512G>T on transcript NM_000428.3 (MANE Select); coding-DNA position 512, G replaced by T.
Protein change: p.Gly171Val; replaces glycine 171 with valine.
Molecular consequence: missense variant.
Genome position (GRCh38, 1-based): chr14:74,603,688, C>A on the plus strand (G>T on the coding strand, the complement: LTBP2 is on the minus strand). VCF-style: chr14-74603688-C-A. GRCh37 (hg19) VCF-style: chr14-75070391-C-A.
Other names: short protein forms G171V.
Identifiers: ClinVar variation 1997001 (VCV001997001.4), dbSNP rs758885924, ClinGen allele CA390386606.